The following is an entry in ClinVar:

ClinVar aggregate classification (germline): Uncertain significance. Review status: criteria provided, multiple submitters, no conflicts (2 of 4 stars). 3 submissions from 3 submitters: Uncertain significance (3). Last evaluated 2023-09-11.

Conditions:
Hereditary spherocytosis type 1. Also called: Spherocytosis type 1; ANK1-Related Spherocytosis. Identifiers: Orphanet 822, MedGen C2674218, MONDO:0008447, OMIM 182900.
Hereditary spherocytosis (SPH). Also called: Congenital spherocytic hemolytic anemia; Congenital spherocytosis. Identifiers: Orphanet 822, MedGen C0037889, MONDO:0019350. Disease mechanism: loss of function.

Allele frequency attached by ClinVar (database versions not stated): 1000 Genomes Project 30x 0.00016.
gnomAD v4.1: 76 of 1,613,954 alleles (0.0047%); highest among the groups gnomAD compares: South Asian, 0.065%; no homozygotes.

Submissions (3):

Labcorp Genetics (formerly Invitae), Labcorp
Classification: Uncertain significance. Last evaluated: 2023-09-11. Review status: criteria provided, single submitter. Criteria: Invitae Variant Classification Sherloc (09022015). Collection method: clinical testing. Allele origin: germline.
Comment: This variant has not been reported in the literature in individuals affected with ANK1-related conditions. In summary, the available evidence is currently insufficient to determine the role of this variant in disease. Therefore, it has been classified as a Variant of Uncertain Significance. Advanced modeling of protein sequence and biophysical properties (such as structural, functional, and spatial information, amino acid conservation, physicochemical variation, residue mobility, and thermodynamic stability) performed at Invitae indicates that this missense variant is not expected to disrupt ANK1 protein function. ClinVar contains an entry for this variant (Variation ID: 2439043). This variant is present in population databases (rs148942046, gnomAD 0.08%), and has an allele count higher than expected for a pathogenic variant. This sequence change replaces valine, which is neutral and non-polar, with leucine, which is neutral and non-polar, at codon 1277 of the ANK1 protein (p.Val1277Leu).

Department of Pathology and Laboratory Medicine, Sinai Health System
Classification: Uncertain significance for hereditary spherocytosis. Last evaluated: 2022-11-27. Review status: criteria provided, single submitter. Criteria: ACMG Guidelines, 2015. Collection method: research. Allele origin: germline.

Revvity Omics, Revvity
Classification: Uncertain significance for Hereditary spherocytosis type 1. Last evaluated: 2021-09-01. Review status: criteria provided, single submitter. Criteria: ACMG Guidelines, 2015. Collection method: clinical testing. Allele origin: germline.

NM_000037.4(ANK1):c.3829G>C (p.Val1277Leu)

Gene: ANK1 (ankyrin 1; minus strand). Cytogenetic location: 8p11.21.
Variant type: single nucleotide variant.
Coding change: c.3829G>C on transcript NM_000037.4 (MANE Select); coding-DNA position 3829, G replaced by C.
Protein change: p.Val1277Leu; replaces valine 1277 with leucine.
Molecular consequence: missense variant.
Genome position (GRCh38, 1-based): chr8:41,692,677, C>G on the plus strand (G>C on the coding strand, the complement: ANK1 is on the minus strand). VCF-style: chr8-41692677-C-G. GRCh37 (hg19) VCF-style: chr8-41550195-C-G.
Other names: c.3952G>C, p.Val1318Leu (NM_001142446.2); c.3829G>C, p.Val1277Leu (NM_020475.3, NM_020476.3, NM_020477.3); short protein forms V1277L, V1318L.
Identifiers: ClinVar variation 2439043 (VCV002439043.7), dbSNP rs148942046, ClinGen allele CA4727774.
Genomic context (GRCh38, chr8:41,692,677, plus strand): 5'-CCAGAGGCGGTGCAGGGCCCAGCCCTGTTACCTCTATGTCCCTGCTCCGGGCCACCTCCA[C>G]GAAGTTCTCATGCTGCTCCAGGGTCTTGTCCACTTTATCATCTGTCATGCAGTAGCAGCG-3'
Protein context (NP_000028.3, residues 1267-1287): DKTLEQHENF[Val1277Leu]EVARSRDIEV